The following is an entry in ClinVar:

NM_001165963.4(SCN1A):c.2589+17_2589+19del

Gene: SCN1A (sodium voltage-gated channel alpha subunit 1; minus strand). Cytogenetic location: 2q24.3.
Variant type: Deletion.
Coding change: c.2589+17_2589+19del on transcript NM_001165963.4 (MANE Select); bases 17 to 19 of the intron after coding-DNA position 2589, 3 bases deleted (AAA; older notation c.2589+17_2589+19delAAA).
Molecular consequence: intron variant.
Genome position (GRCh38, 1-based): chr2:166,039,404-166,039,406, TTT deleted on the plus strand (AAA on the coding strand, the reverse complement: SCN1A is on the minus strand); deleting any 3 consecutive bases within chr2:166,039,404-166,039,420 gives the same sequence; the c. name uses the placement nearest the transcript's 3' end. VCF-style (leftmost placement, unchanged base first): chr2-166039403-CTTT-C. GRCh37 (hg19) VCF-style: chr2-166895913-CTTT-C.
Other names: c.2556+17_2556+19del (NM_001353949.2, NM_001353950.2, NM_001353951.2 and 2 more transcripts); c.2505+17_2505+19del (NM_001353958.2, NM_001353957.2, NM_001165964.3); c.2589+17_2589+19del (NM_001202435.3, NM_001353948.2); c.2553+17_2553+19del (NM_001353955.2, NM_001353954.2); c.2502+17_2502+19del (NM_001353960.2); c.147+17_147+19del (NM_001353961.2).
Identifiers: ClinVar variation 1290642 (VCV001290642.5), dbSNP rs3032638, ClinGen allele CA1943084.
Genomic context (GRCh38, chr2:166,039,403, plus strand): 5'-AAAAACTATGACATTGCTATGCAAGAACCCTGATTGTTAGAAAGGTTTTTGAATTTGGTG[CTTT>C]TTTTTTTTTTTTTTACCAATCGAAATGAACGGAGAACAGATAATCCTTCCACATTGGCGA-3'

ClinVar aggregate classification (germline): Benign/Likely benign. Review status: criteria provided, multiple submitters, no conflicts (2 of 4 stars). 3 submissions from 3 submitters: Benign (2); Likely benign (1). Last evaluated 2024-11-26.

Submissions (3):

Blueprint Genetics
Classification: Likely benign. Last evaluated: 2024-11-26. Review status: criteria provided, single submitter. Criteria: ACMG Guidelines, 2015. Collection method: clinical testing. Allele origin: germline.

Unidad de Genómica Garrahan, Hospital de Pediatría Garrahan
Classification: Benign. Last evaluated: 2024-07-15. Review status: criteria provided, single submitter. Criteria: ACMG Guidelines, 2015. Collection method: clinical testing. Allele origin: germline. Affected: no. Observed: 37 variant alleles.
Comment: This variant is classified as Benign based on local population frequency. This variant was detected in 40% of patients studied in a panel designed for Epileptic and Developmental Encephalopathy and Progressive Myoclonus Epilepsy. Number of patients: 37. Only high quality variants are reported.

GeneDx
Classification: Benign. Last evaluated: 2019-08-18. Review status: criteria provided, single submitter. Criteria: GeneDx Variant Classification Process June 2021. Collection method: clinical testing. Allele origin: germline. Affected: yes.